The following is an entry in ClinVar:

NM_013382.7(POMT2):c.2022C>T (p.Ser674=)

Gene: POMT2 (protein O-mannosyltransferase 2; minus strand). Cytogenetic location: 14q24.3.
Variant type: single nucleotide variant.
Coding change: c.2022C>T on transcript NM_013382.7 (MANE Select); coding-DNA position 2022, C replaced by T.
Protein change: p.Ser674=; no amino-acid change (serine 674 retained).
Molecular consequence: synonymous variant.
Genome position (GRCh38, 1-based): chr14:77,278,739, G>A on the plus strand (C>T on the coding strand, the complement: POMT2 is on the minus strand). VCF-style: chr14-77278739-G-A. GRCh37 (hg19) VCF-style: chr14-77745082-G-A.
Identifiers: ClinVar variation 1396013 (VCV001396013.6), dbSNP rs1566642798, ClinGen allele CA487509221.

ClinVar aggregate classification (germline): Uncertain significance (1 of 4 stars; one submission).

Conditions:
Muscular dystrophy-dystroglycanopathy (congenital with brain and eye anomalies), type A2. Also called: MUSCULAR DYSTROPHY-DYSTROGLYCANOPATHY (CONGENITAL WITH BRAIN AND EYE ANOMALIES), TYPE A, 2; WALKER-WARBURG SYNDROME OR MUSCLE-EYE-BRAIN DISEASE, POMT2-RELATED. Identifiers: Orphanet 588, Orphanet 899, MedGen C3150411, MONDO:0013154, OMIM 613150.
Autosomal recessive limb-girdle muscular dystrophy type 2N. Also called: MUSCULAR DYSTROPHY-DYSTROGLYCANOPATHY, LIMB-GIRDLE, POMT2-RELATED; Muscular dystrophy-dystroglycanopathy (limb-girdle), type C, 2. Identifiers: Orphanet 206559, MedGen C3150418, MONDO:0013162, OMIM 613158.
Muscular dystrophy-dystroglycanopathy (congenital with impaired intellectual development), type B, 2. Also called: MUSCULAR DYSTROPHY, CONGENITAL, POMT2-RELATED; Muscular dystrophy-dystroglycanopathy (congenital with intellectual disability), type B2. Identifiers: MedGen C3150416, MONDO:0013160, OMIM 613156.

gnomAD v4.1: 1 of 1,613,942 alleles (0.000062%); highest among the groups gnomAD compares: Non-Finnish European, 0.000085%; no homozygotes.

Submission:

Labcorp Genetics (formerly Invitae), Labcorp
Classification: Uncertain significance for Muscular dystrophy-dystroglycanopathy (congenital with impaired intellectual development), type B, 2; Muscular dystrophy-dystroglycanopathy (congenital with brain and eye anomalies), type A2; Autosomal recessive limb-girdle muscular dystrophy type 2N. Last evaluated: 2022-06-08. Review status: criteria provided, single submitter. Criteria: Invitae Variant Classification Sherloc (09022015). Collection method: clinical testing. Allele origin: germline.
Comment: This sequence change affects codon 674 of the POMT2 mRNA. It is a 'silent' change, meaning that it does not change the encoded amino acid sequence of the POMT2 protein. In summary, the available evidence is currently insufficient to determine the role of this variant in disease. Therefore, it has been classified as a Variant of Uncertain Significance. Algorithms developed to predict the effect of sequence changes on RNA splicing suggest that this variant may create or strengthen a splice site. This variant has not been reported in the literature in individuals affected with POMT2-related conditions. This variant is not present in population databases (gnomAD no frequency).